The following is an entry in ClinVar:

NM_000548.5(TSC2):c.619G>A (p.Val207Ile)

Gene: TSC2 (TSC complex subunit 2; plus strand). Cytogenetic location: 16p13.3.
Variant type: single nucleotide variant.
Coding change: c.619G>A on transcript NM_000548.5 (MANE Select); coding-DNA position 619, G replaced by A.
Protein change: p.Val207Ile; replaces valine 207 with isoleucine.
Molecular consequence: missense variant.
Genome position (GRCh38, 1-based): chr16:2,056,215, G>A. VCF-style: chr16-2056215-G-A. GRCh37 (hg19) VCF-style: chr16-2106216-G-A.
Other names: c.619G>A, p.Val207Ile (NM_001077183.3, NM_001114382.3, NM_001363528.2 and 3 more transcripts); c.508G>A, p.Val170Ile (NM_001318827.2); c.472G>A, p.Val158Ile (NM_001318829.2); c.19G>A, p.Val7Ile (NM_001318831.2); c.652G>A, p.Val218Ile (NM_001318832.2); c.619G>A (NM_000548.4); short protein forms V207I, V218I, V158I, V7I, V170I.
Identifiers: ClinVar variation 516774 (VCV000516774.29), dbSNP rs139929314, ClinGen allele CA055776.
Genomic context (GRCh38, chr16:2,056,215, plus strand): 5'-CCAGGCAGTGCTGCCGGGACTGAGCTCGGTGCTCCCTGCAGGATGATCTGTCTGCTGTGC[G>A]TCCGGACCGCGTCCTCTGTGGACATAGAGGTCAGTGCCTCCCCTCCCCAGGGCCGGCCCA-3'
Protein context (NP_000539.2, residues 197-217): RMVQMICLLC[Val207Ile]RTASSVDIEV

ClinVar aggregate classification (germline): Conflicting classifications of pathogenicity. Review status: criteria provided, conflicting classifications (1 of 4 stars). 8 submissions from 8 submitters: Uncertain significance (1); Benign (3); Likely benign (4). Last evaluated 2026-02-01.

Conditions:
Tuberous sclerosis 2 (TSC2). Identifiers: Orphanet 805, MedGen C1860707, MONDO:0013199, OMIM 613254.
Hereditary cancer-predisposing syndrome. Also called: Hereditary Cancer Syndrome; Tumor predisposition; Hereditary neoplastic syndrome; Neoplastic Syndromes, Hereditary. Identifiers: Orphanet 140162, MedGen C0027672, MeSH D009386, MONDO:0015356.

Allele frequency attached by ClinVar (database versions not stated): gnomAD exomes 0.00003 and 0.00005; ExAC 0.00007; gnomAD 0.00007 and 0.00010; TOPMed 0.00009; ESP Exome Variant Server 0.00015; 1000 Genomes Project 30x 0.00062; 1000 Genomes Project 0.00080.
gnomAD v4.1: 54 of 1,614,020 alleles (0.0033%); highest among the groups gnomAD compares: African/African-American, 0.023%; no homozygotes.

Submissions (8):

Labcorp Genetics (formerly Invitae), Labcorp
Classification: Benign for Tuberous sclerosis 2. Last evaluated: 2026-02-01. Review status: criteria provided, single submitter. Criteria: Invitae Variant Classification Sherloc (09022015). Collection method: clinical testing. Allele origin: germline.

Women's Health and Genetics/Laboratory Corporation of America, LabCorp
Classification: Benign. Last evaluated: 2025-03-20. Review status: criteria provided, single submitter. Criteria: LabCorp Variant Classification Summary - May 2015. Collection method: clinical testing. Allele origin: germline.
Comment: Variant summary: TSC2 c.619G>A (p.Val207Ile) results in a conservative amino acid change in the encoded protein sequence. Five of five in-silico tools predict a benign effect of the variant on protein function. The variant allele was found at a frequency of 3.3e-05 in 1614020 control chromosomes, predominantly at a frequency of 0.00023 within the African or African-American subpopulation in the gnomAD database. The observed variant frequency within African or African-American control individuals in the gnomAD database is approximately 3.35 fold of the estimated maximal expected allele frequency for a pathogenic variant in TSC2 causing Tuberous Sclerosis Complex phenotype (6.9e-05). This variant has been observed in an unaffected individual, providing supporting evidence for a benign role (Labcorp, formerly Invitae). To our knowledge, no occurrence of c.619G>A in individuals affected with Tuberous Sclerosis Complex and no experimental evidence demonstrating its impact on protein function have been reported. ClinVar contains an entry for this variant (Variation ID: 516774). Based on the evidence outlined above, the variant was classified as benign.

Myriad Genetics, Inc.
Classification: Likely benign for Tuberous sclerosis 2. Last evaluated: 2024-08-26. Review status: criteria provided, single submitter. Criteria: Myriad Autosomal Dominant, Autosomal Recessive and X-Linked Classification Criteria (2023). Collection method: clinical testing. Allele origin: unknown.
Comment: This variant is considered likely benign. This variant has been observed at a population frequency that is significantly greater than expected given the associated disease prevalence and penetrance.

Blueprint Genetics
Classification: Benign. Last evaluated: 2024-05-16. Review status: criteria provided, single submitter. Criteria: ACMG Guidelines, 2015. Collection method: clinical testing. Allele origin: germline.

Genome-Nilou Lab
Classification: Likely benign for Tuberous sclerosis 2. Last evaluated: 2021-11-07. Review status: criteria provided, single submitter. Criteria: ACMG Guidelines, 2015. Collection method: clinical testing. Allele origin: germline. Affected: no.

Ambry Genetics
Classification: Likely benign for Hereditary cancer-predisposing syndrome. Last evaluated: 2018-07-25. Review status: criteria provided, single submitter. Criteria: Ambry Variant Classification Scheme 2023. Collection method: clinical testing. Allele origin: germline.

GeneDx
Classification: Likely benign. Last evaluated: 2018-06-05. Review status: criteria provided, single submitter. Criteria: GeneDx Variant Classification Process June 2021. Collection method: clinical testing. Allele origin: germline. Affected: yes.

Eurofins Ntd Llc (ga)
Classification: Uncertain significance. Last evaluated: 2017-11-08. Review status: criteria provided, single submitter. Criteria: EGL Classification Definitions 2015. Collection method: clinical testing. Allele origin: germline. Observed: 1 variant allele, 1 heterozygote.